The following is an entry in ClinVar:

NM_000222.3(KIT):c.2484+10C>T

Gene: KIT (KIT proto-oncogene, receptor tyrosine kinase; plus strand). Cytogenetic location: 4q12.
Variant type: single nucleotide variant.
Coding change: c.2484+10C>T on transcript NM_000222.3 (MANE Select); 10 bases into the intron after coding-DNA position 2484, C replaced by T.
Molecular consequence: intron variant.
Genome position (GRCh38, 1-based): chr4:54,733,202, C>T. VCF-style: chr4-54733202-C-T. GRCh37 (hg19) VCF-style: chr4-55599368-C-T.
Other names: c.2487+10C>T (NM_001385284.1); c.2484+10C>T (NM_001385290.1); c.2475+10C>T (NM_001385288.1); c.2472+10C>T (NM_001385292.1, NM_001093772.2); c.2481+10C>T (NM_001385285.1); c.2469+10C>T (NM_001385286.1).
Identifiers: ClinVar variation 697894 (VCV000697894.11), dbSNP rs913288010, ClinGen allele CA96879843.
Genomic context (GRCh38, chr4:54,733,202, plus strand): 5'-GGTCTAGCCAGAGACATCAAGAATGATTCTAATTATGTGGTTAAAGGAAACGTGAGTACC[C>T]ATTCTCTGCTTGACAGTCCTGCAAAGGATTTTTAGTTTCAACTTTCGATAAAAATTGTTT-3'

ClinVar aggregate classification (germline): Likely benign. Review status: criteria provided, multiple submitters, no conflicts (2 of 4 stars). 2 submissions from 2 submitters: Likely benign (2). Last evaluated 2026-06-01.

Conditions:
Gastrointestinal stromal tumor. Also called: Gastrointestinal stromal tumor, somatic; Gastrointestinal stroma tumor. Identifiers: Orphanet 44890, MedGen C0238198, MeSH D046152, MONDO:0011719, OMIM 606764, HP:0100723.

gnomAD v4.1: 1 of 1,611,538 alleles (0.000062%); highest among the groups gnomAD compares: Non-Finnish European, 0.000085%; no homozygotes.

Submissions (2):

Myriad Genetics, Inc.
Classification: Likely benign for Gastrointestinal stromal tumor. Last evaluated: 2026-06-01. Review status: criteria provided, single submitter. Criteria: Myriad Autosomal Dominant, Autosomal Recessive and X-Linked Classification Criteria (2023). Collection method: clinical testing. Allele origin: unknown.
Comment: This variant is considered likely benign. This variant is intronic and is not expected to impact mRNA splicing.

Labcorp Genetics (formerly Invitae), Labcorp
Classification: Likely benign for Gastrointestinal stromal tumor. Last evaluated: 2024-11-15. Review status: criteria provided, single submitter. Criteria: Invitae Variant Classification Sherloc (09022015). Collection method: clinical testing. Allele origin: germline.